The following is an entry in ClinVar:

ClinVar aggregate classification (germline): Uncertain significance (1 of 4 stars; one submission).

gnomAD v4.1: 1 of 1,614,220 alleles (0.000062%); highest among the groups gnomAD compares: Non-Finnish European, 0.000085%; no homozygotes.

Submission:

Dasa
Classification: Uncertain significance. Last evaluated: 2026-05-10. Review status: criteria provided, single submitter. Criteria: DASA Assertion Criteria. Collection method: clinical testing. Allele origin: germline.
Comment: NM_005458.8(GABBR2):c.1148A>C (p.Gln383Pro) is a missense variant that results in the substitution of glutamine with proline. This variant is rare in population databases. The currently available literature and clinical evidence are not sufficient to establish a definitive association between this variant and the reported condition. Therefore, this variant is classified as a variant of uncertain significance.

NM_005458.8(GABBR2):c.1148A>C (p.Gln383Pro)

Gene: GABBR2 (gamma-aminobutyric acid type B receptor subunit 2; minus strand). Cytogenetic location: 9q22.33.
Variant type: single nucleotide variant.
Coding change: c.1148A>C on transcript NM_005458.8 (MANE Select); coding-DNA position 1148, A replaced by C.
Protein change: p.Gln383Pro; replaces glutamine 383 with proline.
Molecular consequence: missense variant.
Genome position (GRCh38, 1-based): chr9:98,454,069, T>G on the plus strand (A>C on the coding strand, the complement: GABBR2 is on the minus strand). VCF-style: chr9-98454069-T-G. GRCh37 (hg19) VCF-style: chr9-101216351-T-G.
Other names: short protein forms Q383P.
Identifiers: ClinVar variation 5020585 (VCV005020585.1).
Genomic context (GRCh38, chr9:98,454,069, plus strand): 5'-ATGGCATTGAGGATGATCCTGCCCAGCGTGTGGTCCGTGTAGTTGAAGTCCTGGATCCGC[T>G]GGTGCCGGCTGCTGGCATGCAGTGTCTCCATGGCCCTCTGCAGTGTCTTGGCGATGACCC-3'
Protein context (NP_005449.5, residues 373-393): METLHASSRH[Gln383Pro]RIQDFNYTDH